The following is an entry in ClinVar:

ClinVar aggregate classification (germline): Benign. Review status: criteria provided, single submitter (1 of 4 stars). 2 submissions from 1 submitter: Benign (2). Last evaluated 2018-01-13.

Conditions:
Waardenburg syndrome. Also called: Waardenburg's syndrome. Identifiers: Orphanet 3440, MedGen C3266898, MONDO:0018094.
Craniofacial-deafness-hand syndrome (CDHS). Identifiers: Orphanet 1529, MedGen C1852510, MONDO:0007395, OMIM 122880.

Allele frequency attached by ClinVar (database versions not stated): gnomAD 0.00020; TOPMed 0.00022; 1000 Genomes Project 30x 0.00078; 1000 Genomes Project 0.00080.

Submissions (2):

Illumina Laboratory Services, Illumina
Classification: Benign for Craniofacial-deafness-hand syndrome. Last evaluated: 2018-01-13. Review status: criteria provided, single submitter. Criteria: ICSL Variant Classification Criteria 13 December 2019. Collection method: clinical testing. Allele origin: germline.
Comment: This variant was observed in the ICSL laboratory as part of a predisposition screen in an ostensibly healthy population. It had not been previously curated by ICSL or reported in the Human Gene Mutation Database (HGMD: prior to June 1st, 2018), and was therefore a candidate for classification through an automated scoring system. Utilizing variant allele frequency, disease prevalence and penetrance estimates, and inheritance mode, an automated score was calculated to assess if this variant is too frequent to cause the disease. Based on the score and internal cut-off values, a variant classified as benign is not then subjected to further curation. The score for this variant resulted in a classification of benign for this disease.

Illumina Laboratory Services, Illumina
Classification: Benign for Waardenburg syndrome. Last evaluated: 2018-01-13. Review status: criteria provided, single submitter. Criteria: ICSL Variant Classification Criteria 13 December 2019. Collection method: clinical testing. Allele origin: germline.
Comment: the same text as in the submission from Illumina Laboratory Services, Illumina above.

NM_181458.4(PAX3):c.-205C>T

Genes: CCDC140 (CCDC140 long non-coding RNA; plus strand), PAX3 (paired box 3; minus strand), LOC107980445 (PAX3 promoter region; plus strand). Cytogenetic location: 2q36.1.
Variant type: single nucleotide variant.
Coding change: c.-205C>T on transcript NM_181458.4 (MANE Select); 205 bases upstream of the start codon, C replaced by T.
Molecular consequence: 5 prime UTR variant.
Genome position (GRCh38, 1-based): chr2:222,298,820, G>A on the plus strand (C>T on the coding strand, the complement: PAX3 is on the minus strand). VCF-style: chr2-222298820-G-A. GRCh37 (hg19) VCF-style: chr2-223163539-G-A.
Other names: c.-205C>T (NM_000438.6, NM_001127366.3, NM_013942.5 and 4 more transcripts).
Identifiers: ClinVar variation 334565 (VCV000334565.5), dbSNP rs565554258, ClinGen allele CA10614344.